The following is an entry in ClinVar:

NM_001374828.1(ARID1B):c.5965G>A (p.Glu1989Lys)

Gene: ARID1B (AT-rich interaction domain 1B; plus strand). Cytogenetic location: 6q25.3.
Variant type: single nucleotide variant.
Coding change: c.5965G>A on transcript NM_001374828.1 (MANE Select); coding-DNA position 5965, G replaced by A.
Protein change: p.Glu1989Lys; replaces glutamic acid 1989 with lysine.
Molecular consequence: missense variant.
Genome position (GRCh38, 1-based): chr6:157,206,737, G>A. VCF-style: chr6-157206737-G-A. GRCh37 (hg19) VCF-style: chr6-157527871-G-A.
Other names: c.3307G>A, p.Glu1103Lys (NM_001438488.1); c.5806G>A, p.Glu1936Lys (NM_017519.3); c.5596G>A (NM_020732.3); c.3466G>A, p.Glu1156Lys (NM_001363725.2); c.5845G>A, p.Glu1949Lys (NM_001371656.1, NM_001374820.1); c.6094G>A, p.Glu2032Lys (NM_001438482.1); c.6007G>A, p.Glu2003Lys (NM_001438483.1); c.5875G>A, p.Glu1959Lys (NM_001438485.1); and 2 more; short protein forms E1929K, E2003K, E1103K, E1156K, E1936K, E1989K, E1949K, E2032K.
Identifiers: ClinVar variation 5002059 (VCV005002059.1).
Genomic context (GRCh38, chr6:157,206,737, plus strand): 5'-CCACCTCCCCCCTTAAGCTCCGCAGGTAGAAAGAAAGAGCAAGAAGGCAAAGGCGACTCT[G>A]AAGAGCAGCAAGAGAAAAGCATCATAGCAACCATCGATGACGTCCTCTCTGCTCGGCCAG-3'
Protein context (NP_001361757.1, residues 1979-1999): KKEQEGKGDS[Glu1989Lys]EQQEKSIIAT

ClinVar aggregate classification (germline): Uncertain significance (1 of 4 stars; one submission).

Conditions:
ARID1B-Related Disorder. Identifiers: MedGen CN381337.

Submission:

PreventionGenetics, part of Exact Sciences
Classification: Uncertain significance for ARID1B-related condition. Last evaluated: 2026-05-06. Review status: criteria provided, single submitter. Criteria: ACMG Guidelines, 2015. Collection method: clinical testing. Allele origin: germline.
Comment: The ARID1B c.5596G>A variant is predicted to result in the amino acid substitution p.Glu1866Lys. To our knowledge, this variant has not been reported in the literature or in a large population database (gnomAD), indicating this variant is rare. At this time, the clinical significance of this variant is uncertain due to the absence of conclusive functional and genetic evidence.